The following is an entry in ClinVar:

NM_000431.4(MVK):c.72dup (p.Gly25fs)

Gene: MVK (mevalonate kinase; plus strand). Cytogenetic location: 12q24.11.
Variant type: Duplication.
Coding change: c.72dup on transcript NM_000431.4 (MANE Select); coding-DNA position 72, one base duplicated (T; older notation c.72dupT).
Protein change: p.Gly25fs; shifts the reading frame from glycine 25.
Molecular consequence: frameshift variant.
Genome position (GRCh38, 1-based): chr12:109,574,894, T duplicated. VCF-style (leftmost placement, unchanged base first): chr12-109574893-A-AT. GRCh37 (hg19) VCF-style: chr12-110012698-A-AT.
Other names: c.72_73insT (LRG_156t1); c.72dup, p.Gly25fs (NM_001114185.3, NM_001301182.2); c.72dupT (NM_000431.3); short protein forms G25fs.
Identifiers: ClinVar variation 88836 (VCV000088836.8), dbSNP rs104895322, ClinGen allele CA145350.

ClinVar aggregate classification (germline): Pathogenic. Review status: criteria provided, multiple submitters, no conflicts (2 of 4 stars). 4 submissions from 4 submitters: Pathogenic (2). 2 of the submissions do not count toward it. Last evaluated 2026-07-29.

Conditions:
Deficiency of mevalonate kinase. Also called: Mevalonate kinase deficiency. Identifiers: Orphanet 309025, MedGen C0342731, MONDO:0017708.
Mevalonic aciduria (MEVA). Identifiers: Orphanet 29, MedGen C1959626, MONDO:0012481, OMIM 610377.
Hyperimmunoglobulin D with periodic fever (HIDS). Also called: HYPERIMMUNOGLOBULINEMIA D AND PERIODIC FEVER SYNDROME; Hyperimmunoglobulinemia D; Hyperimmunoglobulinemia D with periodic fever. Identifiers: Orphanet 343, MedGen C0398691, MONDO:0009849, OMIM 260920.
Porokeratosis 3, disseminated superficial actinic type (POROK3). Also called: POROKERATOSIS, DISSEMINATED SUPERFICIAL ACTINIC, 1; POROKERATOSIS 3, MULTIPLE TYPES; POROKERATOSIS 3, MIBELLI TYPE. Identifiers: MedGen C1867981, MONDO:0008293, OMIM 175900.

Allele frequency attached by ClinVar (database versions not stated): gnomAD exomes below 0.00001; gnomAD 0.00001; TOPMed 0.00001.

Submissions (4):

Myriad Genetics, Inc.
Classification: Pathogenic for Deficiency of mevalonate kinase. Last evaluated: 2026-07-29. Review status: criteria provided, single submitter. Criteria: Myriad Autosomal Dominant, Autosomal Recessive and X-Linked Classification Criteria (2023). Collection method: clinical testing. Allele origin: unknown.
Comment: NM_000431.2(MVK):c.72dupT(G25Wfs*55) is a frameshift variant classified as pathogenic in the context of mevalonate kinase deficiency. G25Wfs*55 has been observed in cases with relevant disease (PMID: 12563048, 16835861). Relevant functional assessments of this variant are not available in the literature. G25Wfs*55 has been observed in referenced population frequency databases. In summary, NM_000431.2(MVK):c.72dupT(G25Wfs*55) is a frameshift variant in a gene where loss of function is a known mechanism of disease, is predicted to disrupt protein function, and has been observed more frequently in cases with the relevant disease than in healthy populations. Please note: this variant was assessed in the context of healthy population screening.

Labcorp Genetics (formerly Invitae), Labcorp
Classification: Pathogenic for Mevalonic aciduria; Hyperimmunoglobulin D with periodic fever; Porokeratosis 3, disseminated superficial actinic type. Last evaluated: 2023-04-25. Review status: criteria provided, single submitter. Criteria: Invitae Variant Classification Sherloc (09022015). Collection method: clinical testing. Allele origin: germline.
Comment: ClinVar contains an entry for this variant (Variation ID: 88836). This variant is also known as c.72insT or c.72_73insT. This premature translational stop signal has been observed in individual(s) with mevalonate kinase deficiency (PMID: 12563048, 16835861). This variant is present in population databases (rs104895322, gnomAD 0.0009%). This sequence change creates a premature translational stop signal (p.Gly25Trpfs*55) in the MVK gene. It is expected to result in an absent or disrupted protein product. Loss-of-function variants in MVK are known to be pathogenic (PMID: 16835861, 17105862, 23834120). For these reasons, this variant has been classified as Pathogenic.

OMIM
Classification: Pathogenic for MEVALONIC ACIDURIA. Last evaluated: 2003-02-01. Review status: no assertion criteria provided. Collection method: literature only. Allele origin: germline. Not counted in ClinVar's aggregate classification.

Unité médicale des maladies autoinflammatoires, CHRU Montpellier
No classification provided. Condition: Hyperimmunoglobulin D with periodic fever. Review status: no classification provided. Collection method: not provided. Allele origin: unknown. Not counted in ClinVar's aggregate classification.
Comment: also involved in OMIM 25117

Literature cited by the submitters: PubMed 12563048 (cited by 3 submitters); PubMed 16835861 (cited by Myriad Genetics, Inc. and Labcorp Genetics (formerly Invitae), Labcorp); PubMed 17105862 (cited by Labcorp Genetics (formerly Invitae), Labcorp); PubMed 23834120 (cited by Labcorp Genetics (formerly Invitae), Labcorp).